The following is an entry in ClinVar:

NM_001734.5(C1S):c.834G>A (p.Gly278=)

Gene: C1S (complement C1s; plus strand). Cytogenetic location: 12p13.31.
Variant type: single nucleotide variant.
Coding change: c.834G>A on transcript NM_001734.5 (MANE Select); coding-DNA position 834, G replaced by A.
Protein change: p.Gly278=; no amino-acid change (glycine 278 retained).
Molecular consequence: synonymous variant.
Genome position (GRCh38, 1-based): chr12:7,065,933, G>A. VCF-style: chr12-7065933-G-A. GRCh37 (hg19) VCF-style: chr12-7173237-G-A.
Other names: c.333G>A, p.Gly111= (NM_001346850.2); c.834G>A, p.Gly278= (NM_201442.4).
Identifiers: ClinVar variation 3002919 (VCV003002919.3), dbSNP rs2135725100, ClinGen allele CA478185905.
Genomic context (GRCh38, chr12:7,065,933, plus strand): 5'-TCTAAATATTGAAACCAAGAGTAATGCTCTTGATATCATCTTCCAAACTGATCTAACAGG[G>A]CAAAAAAAGGGCTGGAAACTTCGCTATCATGGAGATCGTGAGTAACTTAGAAGTGCCTCT-3'
Protein context (NP_001725.1, residues 268-288): LDIIFQTDLT[Gly278=]QKKGWKLRYH

ClinVar aggregate classification (germline): Uncertain significance (1 of 4 stars; one submission).

Allele frequency attached by ClinVar (database versions not stated): gnomAD exomes below 0.00001.
gnomAD v4.1: 2 of 1,613,902 alleles (0.00012%); highest among the groups gnomAD compares: African/African-American, 0.0027%; no homozygotes.

Submission:

Labcorp Genetics (formerly Invitae), Labcorp
Classification: Uncertain significance. Last evaluated: 2023-06-14. Review status: criteria provided, single submitter. Criteria: Invitae Variant Classification Sherloc (09022015). Collection method: clinical testing. Allele origin: germline.
Comment: In summary, the available evidence is currently insufficient to determine the role of this variant in disease. Therefore, it has been classified as a Variant of Uncertain Significance. Algorithms developed to predict the effect of sequence changes on RNA splicing suggest that this variant may create or strengthen a splice site. This variant has not been reported in the literature in individuals affected with C1S-related conditions. This variant is not present in population databases (gnomAD no frequency). This sequence change affects codon 278 of the C1S mRNA. It is a 'silent' change, meaning that it does not change the encoded amino acid sequence of the C1S protein.